The following is an entry in ClinVar:

ClinVar aggregate classification (germline): Uncertain significance (1 of 4 stars; one submission).

Submission:

Labcorp Genetics (formerly Invitae), Labcorp
Classification: Uncertain significance. Last evaluated: 2022-05-24. Review status: criteria provided, single submitter. Criteria: Invitae Variant Classification Sherloc (09022015). Collection method: clinical testing. Allele origin: germline.
Comment: In summary, the available evidence is currently insufficient to determine the role of this variant in disease. Therefore, it has been classified as a Variant of Uncertain Significance. Algorithms developed to predict the effect of missense changes on protein structure and function are either unavailable or do not agree on the potential impact of this missense change (SIFT: "Not Available"; PolyPhen-2: "Probably Damaging"; Align-GVGD: "Not Available"). This variant has not been reported in the literature in individuals affected with HYOU1-related conditions. This variant is not present in population databases (gnomAD no frequency). This sequence change replaces arginine, which is basic and polar, with glycine, which is neutral and non-polar, at codon 158 of the HYOU1 protein (p.Arg158Gly).

NM_006389.5(HYOU1):c.472C>G (p.Arg158Gly)

Gene: HYOU1 (hypoxia up-regulated 1; minus strand). Cytogenetic location: 11q23.3.
Variant type: single nucleotide variant.
Coding change: c.472C>G on transcript NM_006389.5 (MANE Select); coding-DNA position 472, C replaced by G.
Protein change: p.Arg158Gly; replaces arginine 158 with glycine.
Molecular consequence: missense variant.
Genome position (GRCh38, 1-based): chr11:119,055,008, G>C on the plus strand (C>G on the coding strand, the complement: HYOU1 is on the minus strand). VCF-style: chr11-119055008-G-C. GRCh37 (hg19) VCF-style: chr11-118925720-G-C.
Other names: c.472C>G, p.Arg158Gly (NM_001130991.3, NM_001411041.1); short protein forms R158G.
Identifiers: ClinVar variation 1998298 (VCV001998298.4), dbSNP rs781789542, ClinGen allele CA382949823.
Genomic context (GRCh38, chr11:119,055,008, plus strand): 5'-GAGCCTGGCCCTAAGGGCCCCACCTTGACCACTCACCTGCAAAATCTTCAGCTAGAGAAC[G>C]AGAATAATTGAGAACCATGCCCAACACTTCCTCAGGTGAGAACTGCAGCTGCCTGAGGGG-3'
Protein context (NP_006380.1, residues 148-168): EVLGMVLNYS[Arg158Gly]SLAEDFAEQP